The following is an entry in ClinVar:

ClinVar aggregate classification (germline): Likely pathogenic (1 of 4 stars; one submission).

Conditions:
Hypermethioninemia with deficiency of S-adenosylhomocysteine hydrolase. Identifiers: Orphanet 88618, MedGen C3151058, MONDO:0013404, OMIM 613752.

Submission:

Labcorp Genetics (formerly Invitae), Labcorp
Classification: Likely pathogenic for Hypermethioninemia with deficiency of S-adenosylhomocysteine hydrolase. Last evaluated: 2025-02-20. Review status: criteria provided, single submitter. Criteria: Invitae Variant Classification Sherloc (09022015). Collection method: clinical testing. Allele origin: germline.
Comment: This sequence change replaces alanine, which is neutral and non-polar, with glycine, which is neutral and non-polar, at codon 89 of the AHCY protein (p.Ala89Gly). This variant is not present in population databases (gnomAD no frequency). This variant has not been reported in the literature in individuals affected with AHCY-related conditions. Invitae Evidence Modeling of protein sequence and biophysical properties (such as structural, functional, and spatial information, amino acid conservation, physicochemical variation, residue mobility, and thermodynamic stability) indicates that this missense variant is expected to disrupt AHCY protein function with a positive predictive value of 95%. This variant disrupts the p.Ala89 amino acid residue in AHCY. Other variant(s) that disrupt this residue have been determined to be pathogenic (PMID: 16736098, 28647132). This suggests that this residue is clinically significant, and that variants that disrupt this residue are likely to be disease-causing. In summary, the currently available evidence indicates that the variant is pathogenic, but additional data are needed to prove that conclusively. Therefore, this variant has been classified as Likely Pathogenic.

Literature cited by the submitters: PubMed 16736098; PubMed 28647132.

NM_000687.4(AHCY):c.266C>G (p.Ala89Gly)

Gene: AHCY (adenosylhomocysteinase; minus strand). Cytogenetic location: 20q11.22.
Variant type: single nucleotide variant.
Coding change: c.266C>G on transcript NM_000687.4 (MANE Select); coding-DNA position 266, C replaced by G.
Protein change: p.Ala89Gly; replaces alanine 89 with glycine.
Molecular consequence: missense variant.
Genome position (GRCh38, 1-based): chr20:34,294,110, G>C on the plus strand (C>G on the coding strand, the complement: AHCY is on the minus strand). VCF-style: chr20-34294110-G-C. GRCh37 (hg19) VCF-style: chr20-32881916-G-C.
Other names: c.182C>G, p.Ala61Gly (NM_001161766.2, NM_001322084.2, NM_001322085.2); c.272C>G, p.Ala91Gly (NM_001322086.2); c.266C>G, p.Ala89Gly (NM_001362750.2); short protein forms A61G, A91G, A89G.
Identifiers: ClinVar variation 4746907 (VCV004746907.1).